The following is an entry in ClinVar:

NM_001130145.3(YAP1):c.20C>T (p.Pro7Leu)

Gene: YAP1 (Yes1 associated transcriptional regulator; plus strand). Cytogenetic location: 11q22.1.
Variant type: single nucleotide variant.
Coding change: c.20C>T on transcript NM_001130145.3 (MANE Select); coding-DNA position 20, C replaced by T.
Protein change: p.Pro7Leu; replaces proline 7 with leucine.
Molecular consequence: missense variant.
Genome position (GRCh38, 1-based): chr11:102,110,868, C>T. VCF-style: chr11-102110868-C-T. GRCh37 (hg19) VCF-style: chr11-101981599-C-T.
Other names: c.20C>T, p.Pro7Leu (NM_001195044.2, NM_001282097.2, NM_001282098.2 and 4 more transcripts); short protein forms P7L.
Identifiers: ClinVar variation 2421219 (VCV002421219.6), dbSNP rs1025759993, ClinGen allele CA228282918.
Genomic context (GRCh38, chr11:102,110,868, plus strand): 5'-TCGCCTGGGTCAGGGGGTGCGCGTCGGGGGAGGCAGAAGCCATGGATCCCGGGCAGCAGC[C>T]GCCGCCTCAACCGGCCCCCCAGGGCCAAGGGCAGCCGCCTTCGCAGCCCCCGCAGGGGCA-3'
Protein context (NP_001123617.1, residues 1-17): MDPGQQ[Pro7Leu]PPQPAPQGQG

ClinVar aggregate classification (germline): Uncertain significance (1 of 4 stars; one submission).

Allele frequency attached by ClinVar (database versions not stated): gnomAD exomes below 0.00001; gnomAD 0.00001; TOPMed 0.00001.
gnomAD v4.1: 4 of 1,416,224 alleles (0.00028%); highest among the groups gnomAD compares: African/African-American, 0.003%; no homozygotes.

Submission:

Labcorp Genetics (formerly Invitae), Labcorp
Classification: Uncertain significance. Last evaluated: 2022-06-15. Review status: criteria provided, single submitter. Criteria: Invitae Variant Classification Sherloc (09022015). Collection method: clinical testing. Allele origin: germline.
Comment: In summary, the available evidence is currently insufficient to determine the role of this variant in disease. Therefore, it has been classified as a Variant of Uncertain Significance. Algorithms developed to predict the effect of missense changes on protein structure and function are either unavailable or do not agree on the potential impact of this missense change (SIFT: "Tolerated"; PolyPhen-2: "Not Available"; Align-GVGD: "Class C0"). This variant has not been reported in the literature in individuals affected with YAP1-related conditions. This variant is present in population databases (no rsID available, gnomAD 0.01%). This sequence change replaces proline, which is neutral and non-polar, with leucine, which is neutral and non-polar, at codon 7 of the YAP1 protein (p.Pro7Leu).